The following is an entry in ClinVar:

ClinVar aggregate classification (germline): Likely benign (1 of 4 stars; one submission).

Submission:

GeneDx
Classification: Likely benign. Last evaluated: 2018-02-19. Review status: criteria provided, single submitter. Criteria: GeneDx Variant Classification (06012015). Collection method: clinical testing. Allele origin: germline. Affected: yes.
Comment: This variant is considered likely benign or benign based on one or more of the following criteria: it is a conservative change, it occurs at a poorly conserved position in the protein, it is predicted to be benign by multiple in silico algorithms, and/or has population frequency not consistent with disease.

NM_025233.7(COASY):c.-439C>G

Gene: COASY (Coenzyme A synthase; plus strand). Cytogenetic location: 17q21.2.
Variant type: single nucleotide variant.
Coding change: c.-439C>G on transcript NM_025233.7 (MANE Select); 439 bases upstream of the start codon, C replaced by G.
Molecular consequence: 5 prime UTR variant.
Genome position (GRCh38, 1-based): chr17:42,562,184, C>G. VCF-style: chr17-42562184-C-G. GRCh37 (hg19) VCF-style: chr17-40714202-C-G.
Other names: c.-47C>G (NM_001042529.3); c.-92C>G (NM_001042532.4).
Identifiers: ClinVar variation 515336 (VCV000515336.1), dbSNP rs1555624532, ClinGen allele CA658798833.